The following is an entry in ClinVar:

NM_021614.4(KCNN2):c.1698_1700dup (p.Thr567_Phe568insThr)

Genes: KCNN2 (potassium calcium-activated channel subfamily N member 2; plus strand), LOC101927078 (uncharacterized LOC101927078; minus strand). Cytogenetic location: 5q22.3.
Variant type: Duplication.
Coding change: c.1698_1700dup on transcript NM_021614.4 (MANE Select); coding-DNA positions 1698 to 1700, 3 bases duplicated (AAC; older notation c.1698_1700dupAAC).
Protein change: p.Thr567_Phe568insThr.
Molecular consequence: non-coding transcript variant (on NR_103458.2).
Genome position (GRCh38, 1-based): chr5:114,463,109-114,463,111, AAC duplicated. VCF-style (leftmost placement, unchanged base first): chr5-114463108-T-TAAC. GRCh37 (hg19) VCF-style: chr5-113798805-T-TAAC.
Other names: c.1896_1898dup, p.Thr633_Phe634insThr (NM_001372233.1); c.18_20dup, p.Thr7_Phe8insThr (NM_170775.3).
Identifiers: ClinVar variation 3365762 (VCV003365762.1).

ClinVar aggregate classification (germline): Likely pathogenic (1 of 4 stars; one submission).

Submission:

GeneDx
Classification: Likely pathogenic. Last evaluated: 2024-04-18. Review status: criteria provided, single submitter. Criteria: GeneDx Variant Classification Process June 2021. Collection method: clinical testing. Allele origin: germline. Affected: yes.
Comment: In-frame duplication of one amino acids in a non-repeat region; Not observed at significant frequency in large population cohorts (gnomAD); Has not been previously published as pathogenic or benign to our knowledge